The following is an entry in ClinVar:

NM_002768.5(CHMP1A):c.253-241A>G

Gene: CHMP1A (charged multivesicular body protein 1A; minus strand). Cytogenetic location: 16q24.3.
Variant type: single nucleotide variant.
Coding change: c.253-241A>G on transcript NM_002768.5 (MANE Select); 241 bases into the intron before coding-DNA position 253, A replaced by G.
Molecular consequence: intron variant.
Genome position (GRCh38, 1-based): chr16:89,647,572, T>C on the plus strand (A>G on the coding strand, the complement: CHMP1A is on the minus strand). VCF-style: chr16-89647572-T-C. GRCh37 (hg19) VCF-style: chr16-89713980-T-C.
Other names: c.233-241A>G (NM_001083314.4).
Identifiers: ClinVar variation 680107 (VCV000680107.2), dbSNP rs413636, ClinGen allele CA16532617.
Genomic context (GRCh38, chr16:89,647,572, plus strand): 5'-AAGGCCATGGAGACCCAGTGCGGGGTCAGTGGAGAAAAGGCCGCCGACGTGGAGACCCAG[T>C]GCGGGGTCAGTGGAGAAAAGGCCGCCGACGTGGAGACCCAGTGCGGGGTCGGTGGAGAAA-3'

ClinVar aggregate classification (germline): Benign. Review status: criteria provided, multiple submitters, no conflicts (2 of 4 stars). 2 submissions from 2 submitters: Benign (2). Last evaluated 2018-06-14.

Allele frequency attached by ClinVar (database versions not stated): 1000 Genomes Project 0.27296; gnomAD 0.40623.

Submissions (2):

GeneDx
Classification: Benign. Last evaluated: 2018-06-14. Review status: criteria provided, single submitter. Criteria: GeneDx Variant Classification (06012015). Collection method: clinical testing. Allele origin: germline. Affected: yes.
Comment: This variant is considered likely benign or benign based on one or more of the following criteria: it is a conservative change, it occurs at a poorly conserved position in the protein, it is predicted to be benign by multiple in silico algorithms, and/or has population frequency not consistent with disease.

Breakthrough Genomics
Classification: Benign. Review status: criteria provided, single submitter. Criteria: ACMG Guidelines, 2015. Collection method: not provided. Allele origin: germline. Inheritance: Autosomal recessive inheritance. Affected: yes.